The following is an entry in ClinVar:

NM_001374828.1(ARID1B):c.1897T>C (p.Tyr633His)

Gene: ARID1B (AT-rich interaction domain 1B; plus strand). Cytogenetic location: 6q25.3.
Variant type: single nucleotide variant.
Coding change: c.1897T>C on transcript NM_001374828.1 (MANE Select); coding-DNA position 1897, T replaced by C.
Protein change: p.Tyr633His; replaces tyrosine 633 with histidine.
Molecular consequence: missense variant.
Genome position (GRCh38, 1-based): chr6:156,829,332, T>C. VCF-style: chr6-156829332-T-C. GRCh37 (hg19) VCF-style: chr6-157150466-T-C.
Other names: c.1897T>C, p.Tyr633His (NM_001371656.1, NM_001374820.1, NM_017519.3); short protein forms Y633H.
Identifiers: ClinVar variation 1028041 (VCV001028041.1), dbSNP rs747306459, ClinGen allele CA4066839.
Genomic context (GRCh38, chr6:156,829,332, plus strand): 5'-GGCATGGGCAGTAACCCTCATTCTCAGCCTCAGCAGAGCAGTCCGTACCCAGGAGGTTCC[T>C]ATGGCCCTCCAGGCCCACAGCGGTATCCAATTGGCATCCAGGGTCGGACTCCCGGGGCCA-3'
Protein context (NP_001361757.1, residues 623-643): QQSSPYPGGS[Tyr633His]GPPGPQRYPI

ClinVar aggregate classification (germline): Uncertain significance (1 of 4 stars; one submission).

Conditions:
Coffin-Siris syndrome 1 (CSS1). Also called: ARID1B-Related Coffin-Siris Syndrome; Mental retardation, autosomal dominant 12. Identifiers: Orphanet 1465, MedGen C3281201, MONDO:0007617, OMIM 135900. Disease mechanism: gain of function.

Allele frequency attached by ClinVar (database versions not stated): gnomAD exomes below 0.00001; TOPMed below 0.00001; ExAC 0.00001; gnomAD 0.00001.
gnomAD v4.1: 3 of 1,614,126 alleles (0.00019%); highest among the groups gnomAD compares: Non-Finnish European, 0.00025%; no homozygotes.

Submission:

Baylor Genetics
Classification: Uncertain significance for Coffin-Siris syndrome 1. Last evaluated: 2019-09-25. Review status: criteria provided, single submitter. Criteria: ACMG Guidelines, 2015. Collection method: clinical testing. Allele origin: unknown. Affected: yes.
Comment: This variant was determined to be of uncertain significance according to ACMG Guidelines, 2015 [PMID:25741868].